The following is an entry in ClinVar:

NM_000393.5(COL5A2):c.3335C>A (p.Pro1112His)

Gene: COL5A2 (collagen type V alpha 2 chain; minus strand). Cytogenetic location: 2q32.2.
Variant type: single nucleotide variant.
Coding change: c.3335C>A on transcript NM_000393.5 (MANE Select); coding-DNA position 3335, C replaced by A.
Protein change: p.Pro1112His; replaces proline 1112 with histidine.
Molecular consequence: missense variant.
Genome position (GRCh38, 1-based): chr2:189,045,207, G>T on the plus strand (C>A on the coding strand, the complement: COL5A2 is on the minus strand). VCF-style: chr2-189045207-G-T. GRCh37 (hg19) VCF-style: chr2-189909933-G-T.
Other names: short protein forms P1112H.
Identifiers: ClinVar variation 4764054 (VCV004764054.1).

ClinVar aggregate classification (germline): Uncertain significance (1 of 4 stars; one submission).

Conditions:
Ehlers-Danlos syndrome, classic type, 1 (EDSCL1). Also called: EHLERS-DANLOS SYNDROME, GRAVIS TYPE; EHLERS-DANLOS SYNDROME, SEVERE CLASSIC TYPE; Ehlers-Danlos syndrome, type 1; Ehlers-Danlos Syndrome, Classic Type, COL5A1-Related; EDS I. Identifiers: MedGen C0268335, MONDO:0019567, OMIM 130000.

Submission:

Labcorp Genetics (formerly Invitae), Labcorp
Classification: Uncertain significance for Ehlers-Danlos syndrome, classic type, 1. Last evaluated: 2025-04-07. Review status: criteria provided, single submitter. Criteria: Invitae Variant Classification Sherloc (09022015). Collection method: clinical testing. Allele origin: germline.
Comment: This sequence change replaces proline, which is neutral and non-polar, with histidine, which is basic and polar, at codon 1112 of the COL5A2 protein (p.Pro1112His). This variant is not present in population databases (gnomAD no frequency). This variant has not been reported in the literature in individuals affected with COL5A2-related conditions. Invitae Evidence Modeling of protein sequence and biophysical properties (such as structural, functional, and spatial information, amino acid conservation, physicochemical variation, residue mobility, and thermodynamic stability) indicates that this missense variant is not expected to disrupt COL5A2 protein function with a negative predictive value of 80%. In summary, the available evidence is currently insufficient to determine the role of this variant in disease. Therefore, it has been classified as a Variant of Uncertain Significance.